The following is an entry in ClinVar:

NM_003060.4(SLC22A5):c.1540G>C (p.Gly514Arg)

Gene: SLC22A5 (solute carrier family 22 member 5; plus strand). Cytogenetic location: 5q31.1.
Variant type: single nucleotide variant.
Coding change: c.1540G>C on transcript NM_003060.4 (MANE Select); coding-DNA position 1540, G replaced by C.
Protein change: p.Gly514Arg; replaces glycine 514 with arginine.
Molecular consequence: missense variant.
Genome position (GRCh38, 1-based): chr5:132,393,765, G>C. VCF-style: chr5-132393765-G-C. GRCh37 (hg19) VCF-style: chr5-131729457-G-C.
Other names: c.1612G>C, p.Gly538Arg (NM_001308122.2); short protein forms G538R, G514R.
Identifiers: ClinVar variation 5006837 (VCV005006837.2).

ClinVar aggregate classification (germline): Uncertain significance (1 of 4 stars; one submission).

Conditions:
Renal carnitine transport defect (CDSP). Also called: CARNITINE DEFICIENCY, SYSTEMIC, DUE TO DEFECT IN RENAL REABSORPTION OF CARNITINE; CARNITINE TRANSPORTER, PLASMA-MEMBRANE, DEFICIENCY OF; CARNITINE UPTAKE DEFECT; Systemic primary carnitine deficiency; Carnitine transporter deficiency; Carnitine Deficiency, Systemic. Identifiers: Orphanet 158, MedGen C0342788, MONDO:0008919, OMIM 212140.

Submission:

Juno Genomics, Hangzhou Juno Genomics, Inc
Classification: Uncertain significance for Renal carnitine transport defect. Review status: criteria provided, single submitter. Criteria: ACMG Guidelines, 2015. Collection method: clinical testing. Allele origin: germline.
Comment: Absent from controls (or at extremely low frequency if recessive) in Genome Aggregation Database.;Multiple lines of computational evidence support a deleterious effect on the gene or gene product.;For recessive disorders, detected in trans with a pathogenic variant.;Patient's phenotype or family history is highly specific for a disease with a single genetic etiology.